The following is an entry in ClinVar:

ClinVar aggregate classification (germline): Benign/Likely benign. Review status: criteria provided, multiple submitters, no conflicts (2 of 4 stars). 5 submissions from 5 submitters: Benign (3); Likely benign (2). Last evaluated 2026-06-01.

Allele frequency attached by ClinVar (database versions not stated): 1000 Genomes Project 30x 0.00375; gnomAD 0.00383 and 0.00414; TOPMed 0.00427; ESP Exome Variant Server 0.00515; gnomAD exomes 0.00033 and 0.00102; ExAC 0.00127; 1000 Genomes Project 0.00339.

Submissions (5):

CeGaT Center for Human Genetics Tuebingen
Classification: Likely benign. Last evaluated: 2026-06-01. Review status: criteria provided, single submitter. Criteria: CeGaT Center For Human Genetics Tuebingen Variant Classification Criteria Version 2. Collection method: clinical testing. Allele origin: germline. Affected: yes. Observed: 3 variant alleles.
Comment: PARS2: BP4, BS1

Labcorp Genetics (formerly Invitae), Labcorp
Classification: Benign. Last evaluated: 2026-01-22. Review status: criteria provided, single submitter. Criteria: Invitae Variant Classification Sherloc (09022015). Collection method: clinical testing. Allele origin: germline.

Blueprint Genetics
Classification: Likely benign. Last evaluated: 2024-10-22. Review status: criteria provided, single submitter. Criteria: ACMG Guidelines, 2015. Collection method: clinical testing. Allele origin: germline.

Mayo Clinic Laboratories, Mayo Clinic
Classification: Benign. Last evaluated: 2023-10-27. Review status: criteria provided, single submitter. Criteria: ACMG Guidelines, 2015. Collection method: clinical testing. Allele origin: germline. Observed: 5 variant alleles.
Comment: BS1, BS2, BP4, BP7

GeneDx
Classification: Benign. Last evaluated: 2017-04-07. Review status: criteria provided, single submitter. Criteria: GeneDx Variant Classification (06012015). Collection method: clinical testing. Allele origin: germline. Affected: yes.
Comment: This variant is considered likely benign or benign based on one or more of the following criteria: it is a conservative change, it occurs at a poorly conserved position in the protein, it is predicted to be benign by multiple in silico algorithms, and/or has population frequency not consistent with disease.

NM_152268.4(PARS2):c.1311C>G (p.Gly437=)

Gene: PARS2 (prolyl-tRNA synthetase 2, mitochondrial; minus strand). Cytogenetic location: 1p32.3.
Variant type: single nucleotide variant.
Coding change: c.1311C>G on transcript NM_152268.4 (MANE Select); coding-DNA position 1311, C replaced by G.
Protein change: p.Gly437=; no amino-acid change (glycine 437 retained).
Molecular consequence: synonymous variant.
Genome position (GRCh38, 1-based): chr1:54,757,851, G>C on the plus strand (C>G on the coding strand, the complement: PARS2 is on the minus strand). VCF-style: chr1-54757851-G-C. GRCh37 (hg19) VCF-style: chr1-55223524-G-C.
Other names: p.Gly437=.
Identifiers: ClinVar variation 506539 (VCV000506539.34), dbSNP rs144460745, ClinGen allele CA869325.